The following is an entry in ClinVar:

ClinVar aggregate classification (germline): Uncertain significance. Review status: criteria provided, multiple submitters, no conflicts (2 of 4 stars). 2 submissions from 2 submitters: Uncertain significance (2). Last evaluated 2025-03-07.

Conditions:
Emery-Dreifuss muscular dystrophy 5, autosomal dominant (EDMD5). Also called: EMERY-DREIFUSS MUSCULAR DYSTROPHY 5. Identifiers: Orphanet 261, MedGen C2751805, MONDO:0013072, OMIM 612999.

Allele frequency attached by ClinVar (database versions not stated): ExAC 0.00003; gnomAD 0.00004; TOPMed 0.00004; gnomAD exomes 0.00005 and 0.00010; ESP Exome Variant Server 0.00008.
gnomAD v4.1: 149 of 1,613,964 alleles (0.0092%); highest among the groups gnomAD compares: Non-Finnish European, 0.012%; no homozygotes.

Submissions (2):

Ambry Genetics
Classification: Uncertain significance. Last evaluated: 2025-03-07. Review status: criteria provided, single submitter. Criteria: Ambry Variant Classification Scheme 2023. Collection method: clinical testing. Allele origin: germline.

Labcorp Genetics (formerly Invitae), Labcorp
Classification: Uncertain significance for Emery-Dreifuss muscular dystrophy 5, autosomal dominant. Last evaluated: 2021-08-31. Review status: criteria provided, single submitter. Criteria: Invitae Variant Classification Sherloc (09022015). Collection method: clinical testing. Allele origin: germline.
Comment: This sequence change replaces glutamic acid with lysine at codon 5730 of the SYNE2 protein (p.Glu5730Lys). The glutamic acid residue is weakly conserved and there is a small physicochemical difference between glutamic acid and lysine. This variant is present in population databases (rs368540403, ExAC 0.006%). This variant has not been reported in the literature in individuals affected with SYNE2-related conditions. Algorithms developed to predict the effect of missense changes on protein structure and function (SIFT, PolyPhen-2, Align-GVGD) all suggest that this variant is likely to be tolerated. In summary, the available evidence is currently insufficient to determine the role of this variant in disease. Therefore, it has been classified as a Variant of Uncertain Significance.

NM_182914.3(SYNE2):c.17188G>A (p.Glu5730Lys)

Gene: SYNE2 (spectrin repeat containing nuclear envelope protein 2; plus strand). Cytogenetic location: 14q23.2.
Variant type: single nucleotide variant.
Coding change: c.17188G>A on transcript NM_182914.3 (MANE Select); coding-DNA position 17188, G replaced by A.
Protein change: p.Glu5730Lys; replaces glutamic acid 5730 with lysine.
Molecular consequence: missense variant.
Genome position (GRCh38, 1-based): chr14:64,170,415, G>A. VCF-style: chr14-64170415-G-A. GRCh37 (hg19) VCF-style: chr14-64637133-G-A.
Other names: c.17188G>A, p.Glu5730Lys (NM_015180.6); short protein forms E5730K.
Identifiers: ClinVar variation 470948 (VCV000470948.7), dbSNP rs368540403, ClinGen allele CA7223618.
Genomic context (GRCh38, chr14:64,170,415, plus strand): 5'-GAGAACTTGTTTCGCTTCCTCACTGACACCAGCCACCTGCTATCTGCAGTGAAGGGCCAG[G>A]AGCGCTTCAGCCTCTACCAAACCAGAAGTCTGATCCATGAGCTGAAGGTAGTGTATGCAT-3'
Protein context (NP_878918.2, residues 5720-5740): SHLLSAVKGQ[Glu5730Lys]RFSLYQTRSL